The following is an entry in ClinVar:

NM_006766.5(KAT6A):c.2046G>A (p.Pro682=)

Gene: KAT6A (lysine acetyltransferase 6A; minus strand). Cytogenetic location: 8p11.21.
Variant type: single nucleotide variant.
Coding change: c.2046G>A on transcript NM_006766.5 (MANE Select); coding-DNA position 2046, G replaced by A.
Protein change: p.Pro682=; no amino-acid change (proline 682 retained).
Molecular consequence: synonymous variant.
Genome position (GRCh38, 1-based): chr8:41,943,930, C>T on the plus strand (G>A on the coding strand, the complement: KAT6A is on the minus strand). VCF-style: chr8-41943930-C-T. GRCh37 (hg19) VCF-style: chr8-41801448-C-T.
Other names: c.2046G>A, p.Pro682= (NM_001305878.2).
Identifiers: ClinVar variation 2879940 (VCV002879940.7), dbSNP rs190790272, ClinGen allele CA4729979.
Genomic context (GRCh38, chr8:41,943,930, plus strand): 5'-GCACTCCAATATTACACTTTTCCAATATGCCATGTAGGAAAGACGACCCAGATCAGATAA[C>T]GGTTTCTCTGGAGACCCTGCTTGGCCTTCACGCTTTGATAACAAATAACCTAAAGAATCA-3'
Protein context (NP_006757.2, residues 672-692): REGQAGSPEK[Pro682=]LSDLGRLSYM

ClinVar aggregate classification (germline): Benign/Likely benign. Review status: criteria provided, multiple submitters, no conflicts (2 of 4 stars). 2 submissions from 2 submitters: Benign (1); Likely benign (1). Last evaluated 2026-02-01.

Allele frequency attached by ClinVar (database versions not stated): ExAC 0.00001; gnomAD exomes 0.00001; TOPMed 0.00001; gnomAD 0.00002; 1000 Genomes Project 30x 0.00016; 1000 Genomes Project 0.00020.
gnomAD v4.1: 14 of 1,613,980 alleles (0.00087%); highest among the groups gnomAD compares: African/African-American, 0.0067%; no homozygotes.

Submissions (2):

CeGaT Center for Human Genetics Tuebingen
Classification: Likely benign. Last evaluated: 2026-02-01. Review status: criteria provided, single submitter. Criteria: CeGaT Center For Human Genetics Tuebingen Variant Classification Criteria Version 2. Collection method: clinical testing. Allele origin: germline. Affected: yes. Observed: 1 variant allele.
Comment: KAT6A: BP4, BP7

Labcorp Genetics (formerly Invitae), Labcorp
Classification: Benign. Last evaluated: 2023-08-10. Review status: criteria provided, single submitter. Criteria: Invitae Variant Classification Sherloc (09022015). Collection method: clinical testing. Allele origin: germline.